The following is an entry in ClinVar:

NM_001845.6(COL4A1):c.4483C>T (p.Arg1495Cys)

Gene: COL4A1 (collagen type IV alpha 1 chain; minus strand). Cytogenetic location: 13q34.
Variant type: single nucleotide variant.
Coding change: c.4483C>T on transcript NM_001845.6 (MANE Select); coding-DNA position 4483, C replaced by T.
Protein change: p.Arg1495Cys; replaces arginine 1495 with cysteine.
Molecular consequence: missense variant.
Genome position (GRCh38, 1-based): chr13:110,161,349, G>A on the plus strand (C>T on the coding strand, the complement: COL4A1 is on the minus strand). VCF-style: chr13-110161349-G-A. GRCh37 (hg19) VCF-style: chr13-110813696-G-A.
Other names: c.4483C>T (NM_001845.5); short protein forms R1495C.
Identifiers: ClinVar variation 2161732 (VCV002161732.6), dbSNP rs539786257, ClinGen allele CA7046911.

ClinVar aggregate classification (germline): Uncertain significance. Review status: criteria provided, multiple submitters, no conflicts (2 of 4 stars). 3 submissions from 3 submitters: Uncertain significance (3). Last evaluated 2026-07-07.

Conditions:
COL4A1-related disorder. Also called: COL4A1-related condition; COL4A1-related disorders. Identifiers: MedGen CN376119, MONDO:0800461.
Autosomal dominant familial hematuria-retinal arteriolar tortuosity-contractures syndrome. Also called: Angiopathy, hereditary, with nephropathy, aneurysms, and muscle cramps; Hereditary Angiopathy with Nephropathy, Aneurysms, and Muscle Cramps (HANAC) Syndrome. Identifiers: Orphanet 73229, MedGen C2673195, MONDO:0012726, OMIM 611773.

Allele frequency attached by ClinVar (database versions not stated): TOPMed 0.00002; ExAC 0.00003; gnomAD 0.00003; 1000 Genomes Project 30x 0.00016; 1000 Genomes Project 0.00020.
gnomAD v4.1: 37 of 1,613,198 alleles (0.0023%); highest among the groups gnomAD compares: African/African-American, 0.004%; 1 homozygote.

Submissions (3):

Medgenome Labs Ltd
Classification: Uncertain significance for Autosomal dominant familial hematuria-retinal arteriolar tortuosity-contractures syndrome. Last evaluated: 2026-07-07. Review status: criteria provided, single submitter. Criteria: ACMG Guidelines, 2015. Collection method: clinical testing. Allele origin: germline. Affected: yes.

PreventionGenetics, part of Exact Sciences
Classification: Uncertain significance for COL4A1-related condition. Last evaluated: 2026-05-12. Review status: criteria provided, single submitter. Criteria: ACMG Guidelines, 2015. Collection method: clinical testing. Allele origin: germline.
Comment: The COL4A1 c.4483C>T variant is predicted to result in the amino acid substitution p.Arg1495Cys. This variant has been reported in an individual with porencephaly and was inherited from a presumably unaffected mother (Itai et al. 2021. PubMed ID: 32732225). This variant is present in 0.0063% of alleles in individuals of African descent in gnomAD. At this time, the clinical significance of this variant is uncertain due to the absence of conclusive functional and genetic evidence.

Labcorp Genetics (formerly Invitae), Labcorp
Classification: Uncertain significance. Last evaluated: 2025-03-31. Review status: criteria provided, single submitter. Criteria: Invitae Variant Classification Sherloc (09022015). Collection method: clinical testing. Allele origin: germline.
Comment: This sequence change replaces arginine, which is basic and polar, with cysteine, which is neutral and slightly polar, at codon 1495 of the COL4A1 protein (p.Arg1495Cys). The frequency data for this variant in the population databases is considered unreliable, as metrics indicate poor data quality at this position in the gnomAD database. This missense change has been observed in individual(s) with porencephaly and epilepsy (PMID: 32732225). ClinVar contains an entry for this variant (Variation ID: 2161732). Invitae Evidence Modeling of protein sequence and biophysical properties (such as structural, functional, and spatial information, amino acid conservation, physicochemical variation, residue mobility, and thermodynamic stability) indicates that this missense variant is expected to disrupt COL4A1 protein function with a positive predictive value of 80%. In summary, the available evidence is currently insufficient to determine the role of this variant in disease. Therefore, it has been classified as a Variant of Uncertain Significance.

Literature cited by the submitters: PubMed 32732225 (cited by Labcorp Genetics (formerly Invitae), Labcorp).